The following is an entry in ClinVar:

ClinVar aggregate classification (germline): Uncertain significance. Review status: criteria provided, multiple submitters, no conflicts (2 of 4 stars). 2 submissions from 2 submitters: Uncertain significance (2). Last evaluated 2024-02-27.

Conditions:
Inborn genetic diseases. Identifiers: MedGen C0950123, MeSH D030342.
Bethlem myopathy 1A. Also called: Bethlem myopathy 1; MYOPATHY, BENIGN CONGENITAL, WITH CONTRACTURES; Bethlem Muscular Dystrophy. Identifiers: Orphanet 610, MedGen CN029274, MONDO:0024530, OMIM 158810.

Allele frequency attached by ClinVar (database versions not stated): TOPMed below 0.00001.
gnomAD v4.1: 3 of 1,612,528 alleles (0.00019%); highest among the groups gnomAD compares: African/African-American, 0.0027%; no homozygotes.

Submissions (2):

Ambry Genetics
Classification: Uncertain significance for Inborn genetic diseases. Last evaluated: 2024-02-27. Review status: criteria provided, single submitter. Criteria: Ambry Variant Classification Scheme 2023. Collection method: clinical testing. Allele origin: germline.

Labcorp Genetics (formerly Invitae), Labcorp
Classification: Uncertain significance for Bethlem myopathy 1A. Last evaluated: 2023-06-25. Review status: criteria provided, single submitter. Criteria: Invitae Variant Classification Sherloc (09022015). Collection method: clinical testing. Allele origin: germline.
Comment: In summary, the available evidence is currently insufficient to determine the role of this variant in disease. Therefore, it has been classified as a Variant of Uncertain Significance. Advanced modeling of protein sequence and biophysical properties (such as structural, functional, and spatial information, amino acid conservation, physicochemical variation, residue mobility, and thermodynamic stability) has been performed at Invitae for this missense variant, however the output from this modeling did not meet the statistical confidence thresholds required to predict the impact of this variant on COL6A1 protein function. This variant has not been reported in the literature in individuals affected with COL6A1-related conditions. This variant is not present in population databases (gnomAD no frequency). This sequence change replaces glycine, which is neutral and non-polar, with valine, which is neutral and non-polar, at codon 102 of the COL6A1 protein (p.Gly102Val).

NM_001848.3(COL6A1):c.305G>T (p.Gly102Val)

Gene: COL6A1 (collagen type VI alpha 1 chain; plus strand). Cytogenetic location: 21q22.3.
Variant type: single nucleotide variant.
Coding change: c.305G>T on transcript NM_001848.3 (MANE Select); coding-DNA position 305, G replaced by T.
Protein change: p.Gly102Val; replaces glycine 102 with valine.
Molecular consequence: missense variant.
Genome position (GRCh38, 1-based): chr21:45,984,346, G>T. VCF-style: chr21-45984346-G-T. GRCh37 (hg19) VCF-style: chr21-47404260-G-T.
Other names: short protein forms G102V.
Identifiers: ClinVar variation 2853010 (VCV002853010.4), dbSNP rs991062845, ClinGen allele CA321954879.
Genomic context (GRCh38, chr21:45,984,346, plus strand): 5'-GAAACCTGGTGTGGAACGCAGGCGCGCTGCACTACAGTGACGAGGTGGAGATCATCCAAG[G>T]CCTCACGCGCATGCCTGGCGGCCGCGACGCACTCAAAAGCAGCGTGGACGCGGTCAAGTA-3'
Protein context (NP_001839.2, residues 92-112): HYSDEVEIIQ[Gly102Val]LTRMPGGRDA